The following is an entry in ClinVar:

ClinVar aggregate classification (germline): Likely benign. Review status: criteria provided, single submitter (1 of 4 stars). 3 submissions from 3 submitters: Likely benign (1). 2 of the submissions do not count toward it. Last evaluated 2024-03-12.

Conditions:
SLC39A4-related disorder. Also called: SLC39A4-related condition.
Hereditary acrodermatitis enteropathica (AEZ). Also called: Acrodermatitis enteropathica. Identifiers: Orphanet 37, MedGen C0221036, MONDO:0008713, OMIM 201100.

Allele frequency attached by ClinVar (database versions not stated): gnomAD exomes 0.00003; gnomAD 0.00011 and 0.00012; TOPMed 0.00005; ExAC 0.00005; ESP Exome Variant Server 0.00008.

Submissions (3):

Labcorp Genetics (formerly Invitae), Labcorp
Classification: Likely benign. Last evaluated: 2024-03-12. Review status: criteria provided, single submitter. Criteria: Invitae Variant Classification Sherloc (09022015). Collection method: clinical testing. Allele origin: germline.

Natera, Inc.
Classification: Likely benign for Acrodermatitis enteropathica. Last evaluated: 2020-03-11. Review status: no assertion criteria provided. Collection method: clinical testing. Allele origin: germline. Not counted in ClinVar's aggregate classification.

PreventionGenetics, part of Exact Sciences
Classification: Likely benign for SLC39A4-related condition. Last evaluated: 2019-06-20. Review status: no assertion criteria provided. Collection method: clinical testing. Allele origin: germline. Not counted in ClinVar's aggregate classification.
Comment: This variant is classified as likely benign based on ACMG/AMP sequence variant interpretation guidelines (Richards et al. 2015 PMID: 25741868, with internal and published modifications).

NM_130849.4(SLC39A4):c.294C>T (p.Ala98=)

Gene: SLC39A4 (solute carrier family 39 member 4; minus strand). Cytogenetic location: 8q24.3.
Variant type: single nucleotide variant.
Coding change: c.294C>T on transcript NM_130849.4 (MANE Select); coding-DNA position 294, C replaced by T.
Protein change: p.Ala98=; no amino-acid change (alanine 98 retained).
Molecular consequence: synonymous variant. On other transcripts: intron variant (1).
Genome position (GRCh38, 1-based): chr8:144,415,990, G>A on the plus strand (C>T on the coding strand, the complement: SLC39A4 is on the minus strand). VCF-style: chr8-144415990-G-A. GRCh37 (hg19) VCF-style: chr8-145641374-G-A.
Other names: c.219C>T, p.Ala73= (NM_017767.3); c.193-571C>T (NM_001374839.1).
Identifiers: ClinVar variation 721078 (VCV000721078.12), dbSNP rs376920807, ClinGen allele CA4941749.